The following is an entry in ClinVar:

ClinVar aggregate classification (germline): Likely benign (1 of 4 stars; one submission).

Allele frequency attached by ClinVar (database versions not stated): 1000 Genomes Project 0.00080; 1000 Genomes Project 30x 0.00094; ExAC 0.00152; TOPMed 0.00184; gnomAD 0.00185; ESP Exome Variant Server 0.00217; gnomAD exomes 0.00288.
gnomAD v4.1: 4,423 of 1,613,870 alleles (0.27%); highest among the groups gnomAD compares: Non-Finnish European, 0.35%; 9 homozygotes.

Submission:

CeGaT Center for Human Genetics Tuebingen
Classification: Likely benign. Last evaluated: 2024-10-01. Review status: criteria provided, single submitter. Criteria: CeGaT Center For Human Genetics Tuebingen Variant Classification Criteria Version 2. Collection method: clinical testing. Allele origin: germline. Affected: yes. Observed: 6 variant alleles.
Comment: GEMIN4: BP4, BP7

NM_015721.3(GEMIN4):c.486C>T (p.Asp162=)

Gene: GEMIN4 (gem nuclear organelle associated protein 4; minus strand). Cytogenetic location: 17p13.3.
Variant type: single nucleotide variant.
Coding change: c.486C>T on transcript NM_015721.3 (MANE Select); coding-DNA position 486, C replaced by T.
Protein change: p.Asp162=; no amino-acid change (aspartic acid 162 retained).
Molecular consequence: synonymous variant.
Genome position (GRCh38, 1-based): chr17:747,557, G>A on the plus strand (C>T on the coding strand, the complement: GEMIN4 is on the minus strand). VCF-style: chr17-747557-G-A. GRCh37 (hg19) VCF-style: chr17-650797-G-A.
Identifiers: ClinVar variation 2570963 (VCV002570963.27), dbSNP rs61753061, ClinGen allele CA8262884.
Genomic context (GRCh38, chr17:747,557, plus strand): 5'-AAACTGGGAGAGCAGGGGGTCCTGCGGGTGACCCTTGTGCTTCATCACCTCCCACCAGAC[G>A]TCCAGGAAGAAGGCCACGTCTTCGGCAGAAGTGTCAACGGTCACATGTTCCAGAAAGCGC-3'
Protein context (NP_056536.2, residues 152-172): TSAEDVAFFL[Asp162=]VWWEVMKHKG